The following is an entry in ClinVar:

Conditions:
Arteriohepatic dysplasia. Also called: Alagille Syndrome. Identifiers: Orphanet 52, MedGen C0085280, MeSH D016738, MONDO:0007318.

Submission:

Gilbert/Spinner Lab, Children's Hospital of Philadelphia
No classification provided (evidence only). Condition: Alagille syndrome. Review status: no classification provided. Collection method: research. Allele origin: not applicable. Functional consequence: functionally_abnormal.
ClinVar note: "not provided" was previously submitted as the classification for the variant. However, the classification appeared to be based only on an observation of functional data so it was converted to no classification on 2025-07-30.

NM_000214.3(JAG1):c.999T>G (p.Cys333Trp)

Gene: JAG1 (jagged canonical Notch ligand 1; minus strand). Cytogenetic location: 20p12.2.
Variant type: single nucleotide variant.
Coding change: c.999T>G on transcript NM_000214.3 (MANE Select); coding-DNA position 999, T replaced by G.
Protein change: p.Cys333Trp; replaces cysteine 333 with tryptophan.
Molecular consequence: missense variant.
Genome position (GRCh38, 1-based): chr20:10,652,138, A>C on the plus strand (T>G on the coding strand, the complement: JAG1 is on the minus strand). VCF-style: chr20-10652138-A-C. GRCh37 (hg19) VCF-style: chr20-10632786-A-C.
Other names: short protein forms C333W.
Identifiers: ClinVar variation 3573412 (VCV003573412.2).